The following is an entry in ClinVar:

ClinVar aggregate classification (germline): Pathogenic (1 of 4 stars; one submission).

Conditions:
Ataxia-telangiectasia syndrome (AT). Also called: Ataxia-telangiectasia, complementation group D; ATAXIA-TELANGIECTASIA, COMPLEMENTATION GROUP A; ATAXIA-TELANGIECTASIA, FRESNO VARIANT; Ataxia-telangiectasia; Ataxia telangiectasia (A-T); Cerebello-oculocutaneous telangiectasia. Identifiers: Orphanet 100, MedGen C0004135, MONDO:0008840, OMIM 208900.

Submission:

Labcorp Genetics (formerly Invitae), Labcorp
Classification: Pathogenic for Ataxia-telangiectasia syndrome. Last evaluated: 2023-02-24. Review status: criteria provided, single submitter. Criteria: Invitae Variant Classification Sherloc (09022015). Collection method: clinical testing. Allele origin: germline.
Comment: For these reasons, this variant has been classified as Pathogenic. This variant has not been reported in the literature in individuals affected with ATM-related conditions. This variant is not present in population databases (gnomAD no frequency). This sequence change creates a premature translational stop signal (p.Lys750Serfs*3) in the ATM gene. It is expected to result in an absent or disrupted protein product. Loss-of-function variants in ATM are known to be pathogenic (PMID: 23807571, 25614872).

Literature cited by the submitters: PubMed 23807571; PubMed 25614872.

NM_000051.4(ATM):c.2247del (p.Lys750fs)

Gene: ATM (ATM serine/threonine kinase; plus strand). Cytogenetic location: 11q22.3.
Variant type: Deletion.
Coding change: c.2247del on transcript NM_000051.4 (MANE Select); coding-DNA position 2247, one base deleted (C; older notation c.2247delC).
Protein change: p.Lys750fs; shifts the reading frame from lysine 750.
Molecular consequence: frameshift variant.
Genome position (GRCh38, 1-based): chr11:108,256,337, C deleted; the last of 2 consecutive C bases (chr11:108,256,336-108,256,337); deleting either gives the same sequence. VCF-style (leftmost placement, unchanged base first): chr11-108256335-GC-G. GRCh37 (hg19) VCF-style: chr11-108127062-GC-G.
Other names: c.2247del, p.Lys750fs (NM_001351834.2); short protein forms K750fs.
Identifiers: ClinVar variation 2035359 (VCV002035359.4), dbSNP rs2497361336, ClinGen allele CA2580083332.